The following is an entry in ClinVar:

ClinVar aggregate classification (germline): Uncertain significance (1 of 4 stars; one submission).

Conditions:
Inborn genetic diseases. Identifiers: MedGen C0950123, MeSH D030342.

Submission:

Ambry Genetics
Classification: Uncertain significance for Inborn genetic diseases. Last evaluated: 2023-10-15. Review status: criteria provided, single submitter. Criteria: Ambry Variant Classification Scheme 2023. Collection method: clinical testing. Allele origin: germline.
Comment: The p.R651T variant (also known as c.1952G>C), located in coding exon 12 of the PIK3CA gene, results from a G to C substitution at nucleotide position 1952. The arginine at codon 651 is replaced by threonine, an amino acid with similar properties. This amino acid position is conserved. In addition, this alteration is predicted to be deleterious by in silico analysis. Since supporting evidence is limited at this time, the clinical significance of this alteration remains unclear.

NM_006218.4(PIK3CA):c.1952G>C (p.Arg651Thr)

Gene: PIK3CA (phosphatidylinositol-4,5-bisphosphate 3-kinase catalytic subunit alpha; plus strand). Cytogenetic location: 3q26.32.
Variant type: single nucleotide variant.
Coding change: c.1952G>C on transcript NM_006218.4 (MANE Select); coding-DNA position 1952, G replaced by C.
Protein change: p.Arg651Thr; replaces arginine 651 with threonine.
Molecular consequence: missense variant.
Genome position (GRCh38, 1-based): chr3:179,219,989, G>C. VCF-style: chr3-179219989-G-C. GRCh37 (hg19) VCF-style: chr3-178937777-G-C.
Other names: short protein forms R651T.
Identifiers: ClinVar variation 3225346 (VCV003225346.1), dbSNP rs2108411961, ClinGen allele CA355267210.